The following is an entry in ClinVar:

NM_005422.4(TECTA):c.1954T>C (p.Cys652Arg)

Genes: TBCEL-TECTA (TBCEL-TECTA readthrough; plus strand), TECTA (tectorin alpha; plus strand). Cytogenetic location: 11q23.3.
Variant type: single nucleotide variant.
Coding change: c.1954T>C on transcript NM_005422.4 (MANE Select); coding-DNA position 1954, T replaced by C.
Protein change: p.Cys652Arg; replaces cysteine 652 with arginine.
Molecular consequence: missense variant.
Genome position (GRCh38, 1-based): chr11:121,127,931, T>C. VCF-style: chr11-121127931-T-C. GRCh37 (hg19) VCF-style: chr11-120998640-T-C.
Other names: c.2911T>C, p.Cys971Arg (NM_001378761.1); short protein forms C652R, C971R.
Identifiers: ClinVar variation 1721707 (VCV001721707.5), dbSNP rs2496921523, ClinGen allele CA383013839.

ClinVar aggregate classification (germline): Uncertain significance (1 of 4 stars; one submission).

Submission:

Labcorp Genetics (formerly Invitae), Labcorp
Classification: Uncertain significance. Last evaluated: 2022-10-16. Review status: criteria provided, single submitter. Criteria: Invitae Variant Classification Sherloc (09022015). Collection method: clinical testing. Allele origin: germline.
Comment: In summary, the available evidence is currently insufficient to determine the role of this variant in disease. Therefore, it has been classified as a Variant of Uncertain Significance. Advanced modeling of protein sequence and biophysical properties (such as structural, functional, and spatial information, amino acid conservation, physicochemical variation, residue mobility, and thermodynamic stability) performed at Invitae indicates that this missense variant is not expected to disrupt TECTA protein function. This variant has not been reported in the literature in individuals affected with TECTA-related conditions. This variant is not present in population databases (gnomAD no frequency). This sequence change replaces cysteine, which is neutral and slightly polar, with arginine, which is basic and polar, at codon 652 of the TECTA protein (p.Cys652Arg).